The following is an entry in ClinVar:

ClinVar aggregate classification (germline): Uncertain significance. Review status: criteria provided, multiple submitters, no conflicts (2 of 4 stars). 4 submissions from 4 submitters: Uncertain significance (4). Last evaluated 2026-05-07.

Conditions:
Inborn genetic diseases. Identifiers: MedGen C0950123, MeSH D030342.
LOXHD1-related disorder. Also called: LOXHD1-related condition.

Allele frequency attached by ClinVar (database versions not stated): gnomAD exomes 0.00005; TOPMed 0.00007; gnomAD 0.00008; ExAC 0.00024.
gnomAD v4.1: 87 of 1,548,902 alleles (0.0056%); highest among the groups gnomAD compares: Middle Eastern, 0.05%; no homozygotes.

Submissions (4):

PreventionGenetics, part of Exact Sciences
Classification: Uncertain significance for LOXHD1-related condition. Last evaluated: 2026-05-07. Review status: criteria provided, single submitter. Criteria: ACMG Guidelines, 2015. Collection method: clinical testing. Allele origin: germline.
Comment: The LOXHD1 c.2861A>G variant is predicted to result in the amino acid substitution p.Glu954Gly. To our knowledge, this variant has not been reported in the literature. This variant is reported in 0.17% of alleles in individuals of Ashkenazi Jewish descent in gnomAD. Although we suspect that this variant may be benign, at this time, the clinical significance of this variant is uncertain due to the absence of conclusive functional and genetic evidence.

Blueprint Genetics
Classification: Uncertain significance. Last evaluated: 2024-10-14. Review status: criteria provided, single submitter. Criteria: ACMG Guidelines, 2015. Collection method: clinical testing. Allele origin: germline.

Labcorp Genetics (formerly Invitae), Labcorp
Classification: Uncertain significance. Last evaluated: 2022-02-23. Review status: criteria provided, single submitter. Criteria: Invitae Variant Classification Sherloc (09022015). Collection method: clinical testing. Allele origin: germline.
Comment: This sequence change replaces glutamic acid, which is acidic and polar, with glycine, which is neutral and non-polar, at codon 954 of the LOXHD1 protein (p.Glu954Gly). This variant is present in population databases (rs755498405, gnomAD 0.2%). This variant has not been reported in the literature in individuals affected with LOXHD1-related conditions. Algorithms developed to predict the effect of missense changes on protein structure and function output the following: SIFT: "Deleterious"; PolyPhen-2: "Benign"; Align-GVGD: "Class C0". The glycine amino acid residue is found in multiple mammalian species, which suggests that this missense change does not adversely affect protein function. In summary, the available evidence is currently insufficient to determine the role of this variant in disease. Therefore, it has been classified as a Variant of Uncertain Significance.

Ambry Genetics
Classification: Uncertain significance for Inborn genetic diseases. Last evaluated: 2021-10-26. Review status: criteria provided, single submitter. Criteria: Ambry Variant Classification Scheme 2023. Collection method: clinical testing. Allele origin: germline.

NM_001384474.1(LOXHD1):c.2861A>G (p.Glu954Gly)

Gene: LOXHD1 (lipoxygenase homology PLAT domains 1; minus strand). Cytogenetic location: 18q21.1.
Variant type: single nucleotide variant.
Coding change: c.2861A>G on transcript NM_001384474.1 (MANE Select); coding-DNA position 2861, A replaced by G.
Protein change: p.Glu954Gly; replaces glutamic acid 954 with glycine.
Molecular consequence: missense variant.
Genome position (GRCh38, 1-based): chr18:46,560,283, T>C on the plus strand (A>G on the coding strand, the complement: LOXHD1 is on the minus strand). VCF-style: chr18-46560283-T-C. GRCh37 (hg19) VCF-style: chr18-44140246-T-C.
Other names: c.2861A>G, p.Glu954Gly (NM_144612.7); c.2861A>G (NM_144612.6); short protein forms E954G.
Identifiers: ClinVar variation 2149308 (VCV002149308.4), dbSNP rs755498405, ClinGen allele CA8952605.